The following is an entry in ClinVar:

NM_021072.4(HCN1):c.1916T>A (p.Ile639Asn)

Gene: HCN1 (hyperpolarization activated cyclic nucleotide gated potassium channel 1; minus strand). Cytogenetic location: 5p12.
Variant type: single nucleotide variant.
Coding change: c.1916T>A on transcript NM_021072.4 (MANE Select); coding-DNA position 1916, T replaced by A.
Protein change: p.Ile639Asn; replaces isoleucine 639 with asparagine.
Molecular consequence: missense variant.
Genome position (GRCh38, 1-based): chr5:45,262,678, A>T on the plus strand (T>A on the coding strand, the complement: HCN1 is on the minus strand). VCF-style: chr5-45262678-A-T. GRCh37 (hg19) VCF-style: chr5-45262780-A-T.
Other names: short protein forms I639N.
Identifiers: ClinVar variation 2824763 (VCV002824763.3), dbSNP rs982964789, ClinGen allele CA359704427.

ClinVar aggregate classification (germline): Uncertain significance (1 of 4 stars; one submission).

Conditions:
Early-infantile DEE. Also called: Early infantile epileptic encephalopathy; Early infantile epileptic encephalopathy with suppression bursts; Ohtahara syndrome. Identifiers: Orphanet 1934, MedGen C0393706, MONDO:0800491.

Submission:

Labcorp Genetics (formerly Invitae), Labcorp
Classification: Uncertain significance for Early-infantile DEE. Last evaluated: 2023-03-08. Review status: criteria provided, single submitter. Criteria: Invitae Variant Classification Sherloc (09022015). Collection method: clinical testing. Allele origin: germline.
Comment: This variant has not been reported in the literature in individuals affected with HCN1-related conditions. In summary, the available evidence is currently insufficient to determine the role of this variant in disease. Therefore, it has been classified as a Variant of Uncertain Significance. Advanced modeling of protein sequence and biophysical properties (such as structural, functional, and spatial information, amino acid conservation, physicochemical variation, residue mobility, and thermodynamic stability) performed at Invitae indicates that this missense variant is not expected to disrupt HCN1 protein function. This variant is not present in population databases (gnomAD no frequency). This sequence change replaces isoleucine, which is neutral and non-polar, with asparagine, which is neutral and polar, at codon 639 of the HCN1 protein (p.Ile639Asn).